The following is an entry in ClinVar:

ClinVar aggregate classification (germline): Uncertain significance (1 of 4 stars; one submission).

Submission:

Labcorp Genetics (formerly Invitae), Labcorp
Classification: Uncertain significance. Last evaluated: 2023-08-29. Review status: criteria provided, single submitter. Criteria: Invitae Variant Classification Sherloc (09022015). Collection method: clinical testing. Allele origin: germline.
Comment: In summary, the available evidence is currently insufficient to determine the role of this variant in disease. Therefore, it has been classified as a Variant of Uncertain Significance. This variant has not been reported in the literature in individuals affected with TNNI3K-related conditions. This variant is not present in population databases (gnomAD no frequency). This sequence change creates a premature translational stop signal (p.Arg354Profs*13) in the TNNI3K gene. It is expected to result in an absent or disrupted protein product. However, the current clinical and genetic evidence is not sufficient to establish whether loss-of-function variants in TNNI3K cause disease.

NM_015978.3(TNNI3K):c.1061del (p.Arg354fs)

Genes: FPGT-TNNI3K (FPGT-TNNI3K readthrough; plus strand), TNNI3K (TNNI3 interacting kinase; plus strand). Cytogenetic location: 1p31.1.
Variant type: Deletion.
Coding change: c.1061del on transcript NM_015978.3 (MANE Select); coding-DNA position 1061, one base deleted (G; older notation c.1061delG).
Protein change: p.Arg354fs; shifts the reading frame from arginine 354.
Molecular consequence: frameshift variant.
Genome position (GRCh38, 1-based): chr1:74,354,013, G deleted. VCF-style (leftmost placement, unchanged base first): chr1-74354012-CG-C. GRCh37 (hg19) VCF-style: chr1-74819696-CG-C.
Other names: c.1364del, p.Arg455fs (NM_001112808.3, NM_001199327.2); short protein forms R354fs, R455fs.
Identifiers: ClinVar variation 2748682 (VCV002748682.3), dbSNP rs2524412569, ClinGen allele CA2697552472.